The following is an entry in ClinVar:

ClinVar aggregate classification (germline): Uncertain significance. Review status: criteria provided, multiple submitters, no conflicts (2 of 4 stars). 2 submissions from 2 submitters: Uncertain significance (2). Last evaluated 2025-12-16.

Conditions:
Hereditary cancer-predisposing syndrome. Also called: Hereditary neoplastic syndrome; Neoplastic Syndromes, Hereditary; Tumor predisposition; Hereditary Cancer Syndrome. Identifiers: Orphanet 140162, MedGen C0027672, MeSH D009386, MONDO:0015356.
Oligodontia-cancer predisposition syndrome. Also called: TOOTH AGENESIS-COLORECTAL CANCER SYNDROME. Identifiers: Orphanet 300576, MedGen C1837750, MONDO:0012075, OMIM 608615. Disease mechanism: loss of function.

Submissions (2):

Labcorp Genetics (formerly Invitae), Labcorp
Classification: Uncertain significance for Oligodontia-cancer predisposition syndrome. Last evaluated: 2025-12-16. Review status: criteria provided, single submitter. Criteria: Invitae Variant Classification Sherloc (09022015). Collection method: clinical testing. Allele origin: germline.
Comment: This sequence change replaces leucine, which is neutral and non-polar, with proline, which is neutral and non-polar, at codon 481 of the AXIN2 protein (p.Leu481Pro). This variant is not present in population databases (gnomAD no frequency). This variant has not been reported in the literature in individuals affected with AXIN2-related conditions. ClinVar contains an entry for this variant (Variation ID: 533238). An algorithm developed to predict the effect of missense changes on protein structure and function outputs the following: PolyPhen-2: "Benign". The proline amino acid residue is found in multiple mammalian species, which suggests that this missense change does not adversely affect protein function. In summary, the available evidence is currently insufficient to determine the role of this variant in disease. Therefore, it has been classified as a Variant of Uncertain Significance.

Ambry Genetics
Classification: Uncertain significance for Hereditary cancer-predisposing syndrome. Last evaluated: 2023-05-16. Review status: criteria provided, single submitter. Criteria: Ambry Variant Classification Scheme 2023. Collection method: clinical testing. Allele origin: germline.
Comment: The p.L481P variant (also known as c.1442T>C), located in coding exon 5 of the AXIN2 gene, results from a T to C substitution at nucleotide position 1442. The leucine at codon 481 is replaced by proline, an amino acid with similar properties. This amino acid position is well conserved in available vertebrate species. In addition, this alteration is predicted to be tolerated by in silico analysis. Since supporting evidence is limited at this time, the clinical significance of this alteration remains unclear.

NM_004655.4(AXIN2):c.1442T>C (p.Leu481Pro)

Gene: AXIN2 (axin 2; minus strand). Cytogenetic location: 17q24.1.
Variant type: single nucleotide variant.
Coding change: c.1442T>C on transcript NM_004655.4 (MANE Select); coding-DNA position 1442, T replaced by C.
Protein change: p.Leu481Pro; replaces leucine 481 with proline.
Molecular consequence: missense variant.
Genome position (GRCh38, 1-based): chr17:65,537,594, A>G on the plus strand (T>C on the coding strand, the complement: AXIN2 is on the minus strand). VCF-style: chr17-65537594-A-G. GRCh37 (hg19) VCF-style: chr17-63533712-A-G.
Other names: c.1442T>C (LRG_296t1); c.1442T>C, p.Leu481Pro (NM_001363813.1); short protein forms L481P.
Identifiers: ClinVar variation 533238 (VCV000533238.11), dbSNP rs1555577842, ClinGen allele CA400677488.